The following is an entry in ClinVar:

NM_032888.4(COL27A1):c.4168C>T (p.Arg1390Trp)

Genes: COL27A1 (collagen type XXVII alpha 1 chain; plus strand), LOC126860736 (MED14-independent group 3 enhancer GRCh37_chr9:117050487-117051686; plus strand). Cytogenetic location: 9q32.
Variant type: single nucleotide variant.
Coding change: c.4168C>T on transcript NM_032888.4 (MANE Select); coding-DNA position 4168, C replaced by T.
Protein change: p.Arg1390Trp; replaces arginine 1390 with tryptophan.
Molecular consequence: missense variant.
Genome position (GRCh38, 1-based): chr9:114,289,257, C>T. VCF-style: chr9-114289257-C-T. GRCh37 (hg19) VCF-style: chr9-117051537-C-T.
Other names: short protein forms R1390W.
Identifiers: ClinVar variation 2085906 (VCV002085906.1), dbSNP rs374637938, ClinGen allele CA5202841.

ClinVar aggregate classification (germline): Uncertain significance (1 of 4 stars; one submission).

Allele frequency attached by ClinVar (database versions not stated): gnomAD exomes 0.00002; gnomAD 0.00005; ExAC 0.00007; ESP Exome Variant Server 0.00008.
gnomAD v4.1: 40 of 1,594,248 alleles (0.0025%); highest among the groups gnomAD compares: Admixed American, 0.0088%; no homozygotes.

Submission:

Labcorp Genetics (formerly Invitae), Labcorp
Classification: Uncertain significance. Last evaluated: 2022-05-19. Review status: criteria provided, single submitter. Criteria: Invitae Variant Classification Sherloc (09022015). Collection method: clinical testing. Allele origin: germline.
Comment: This sequence change replaces arginine, which is basic and polar, with tryptophan, which is neutral and slightly polar, at codon 1390 of the COL27A1 protein (p.Arg1390Trp). The frequency data for this variant in the population databases is considered unreliable, as metrics indicate poor data quality at this position in the gnomAD database. This variant has not been reported in the literature in individuals affected with COL27A1-related conditions. Advanced modeling of protein sequence and biophysical properties (such as structural, functional, and spatial information, amino acid conservation, physicochemical variation, residue mobility, and thermodynamic stability) performed at Invitae indicates that this missense variant is not expected to disrupt COL27A1 protein function. In summary, the available evidence is currently insufficient to determine the role of this variant in disease. Therefore, it has been classified as a Variant of Uncertain Significance.